The following is an entry in ClinVar:

NM_000179.3(MSH6):c.2953T>G (p.Phe985Val)

Gene: MSH6 (mutS homolog 6; plus strand). Cytogenetic location: 2p16.3.
Variant type: single nucleotide variant.
Coding change: c.2953T>G on transcript NM_000179.3 (MANE Select); coding-DNA position 2953, T replaced by G.
Protein change: p.Phe985Val; replaces phenylalanine 985 with valine.
Molecular consequence: missense variant.
Genome position (GRCh38, 1-based): chr2:47,800,936, T>G. VCF-style: chr2-47800936-T-G. GRCh37 (hg19) VCF-style: chr2-48028075-T-G.
Other names: c.2563T>G, p.Phe855Val (NM_001281492.2); c.2047T>G, p.Phe683Val (NM_001281493.2, NM_001281494.2); short protein forms F683V, F855V, F985V.
Identifiers: ClinVar variation 854321 (VCV000854321.13), dbSNP rs1258152646, ClinGen allele CA346756246.

ClinVar aggregate classification (germline): Conflicting classifications of pathogenicity. Review status: criteria provided, conflicting classifications (1 of 4 stars). 3 submissions from 3 submitters: Uncertain significance (2); Likely benign (1). Last evaluated 2024-03-27.

Conditions:
Hereditary cancer-predisposing syndrome. Also called: Neoplastic Syndromes, Hereditary; Hereditary Cancer Syndrome; Tumor predisposition; Hereditary neoplastic syndrome. Identifiers: Orphanet 140162, MedGen C0027672, MeSH D009386, MONDO:0015356.
Hereditary nonpolyposis colorectal neoplasms. Identifiers: MedGen C0009405, MeSH D003123.

Allele frequency attached by ClinVar (database versions not stated): gnomAD exomes below 0.00001 and 0.00001; gnomAD 0.00001; TOPMed 0.00002.
gnomAD v4.1: 4 of 1,576,228 alleles (0.00025%); highest among the groups gnomAD compares: Admixed American, 0.0075%; no homozygotes.

Submissions (3):

GeneDx
Classification: Uncertain significance. Last evaluated: 2024-03-27. Review status: criteria provided, single submitter. Criteria: GeneDx Variant Classification Process June 2021. Collection method: clinical testing. Allele origin: germline. Affected: yes.
Comment: Not observed at significant frequency in large population cohorts (gnomAD); In silico analysis supports that this missense variant does not alter protein structure/function; Has not been previously published as pathogenic or benign to our knowledge; This variant is associated with the following publications: (PMID: 17531815, 21120944)

Labcorp Genetics (formerly Invitae), Labcorp
Classification: Likely benign for Hereditary nonpolyposis colorectal neoplasms. Last evaluated: 2023-08-04. Review status: criteria provided, single submitter. Criteria: Invitae Variant Classification Sherloc (09022015). Collection method: clinical testing. Allele origin: germline.

Ambry Genetics
Classification: Uncertain significance for Hereditary cancer-predisposing syndrome. Last evaluated: 2022-07-19. Review status: criteria provided, single submitter. Criteria: Ambry Variant Classification Scheme 2023. Collection method: clinical testing. Allele origin: germline.
Comment: The p.F985V variant (also known as c.2953T>G), located in coding exon 4 of the MSH6 gene, results from a T to G substitution at nucleotide position 2953. The phenylalanine at codon 985 is replaced by valine, an amino acid with highly similar properties. This amino acid position is conserved. In addition, this alteration is predicted to be tolerated by in silico analysis. Since supporting evidence is limited at this time, the clinical significance of this alteration remains unclear.